The following is an entry in ClinVar:

NM_001182.5(ALDH7A1):c.987G>T (p.Arg329Ser)

Gene: ALDH7A1 (aldehyde dehydrogenase 7 family member A1; minus strand). Cytogenetic location: 5q23.2.
Variant type: single nucleotide variant.
Coding change: c.987G>T on transcript NM_001182.5 (MANE Select); coding-DNA position 987, G replaced by T.
Protein change: p.Arg329Ser; replaces arginine 329 with serine.
Molecular consequence: missense variant.
Genome position (GRCh38, 1-based): chr5:126,559,261, C>A on the plus strand (G>T on the coding strand, the complement: ALDH7A1 is on the minus strand). VCF-style: chr5-126559261-C-A. GRCh37 (hg19) VCF-style: chr5-125894953-C-A.
Other names: c.903G>T, p.Arg301Ser (NM_001201377.2); c.987G>T, p.Arg329Ser (NM_001202404.2); short protein forms R329S, R301S.
Identifiers: ClinVar variation 569745 (VCV000569745.11), dbSNP rs761295869, ClinGen allele CA360726631.

ClinVar aggregate classification (germline): Likely pathogenic (1 of 4 stars; one submission).

Conditions:
Pyridoxine-dependent epilepsy (EPEO4). Also called: Pyridoxine-Dependent Epilepsy - ALDH7A1; EPILEPSY, EARLY-ONSET, 4, VITAMIN B6-DEPENDENT; PYRIDOXINE DEPENDENCY WITH SEIZURES; Pyridoxine-Dependent Seizures. Identifiers: Orphanet 3006, MedGen C1849508, MONDO:0009945, OMIM 266100. Disease mechanism: loss of function.

gnomAD v4.1: 5 of 1,613,978 alleles (0.00031%); highest among the groups gnomAD compares: Non-Finnish European, 0.00042%; no homozygotes.

Submission:

Labcorp Genetics (formerly Invitae), Labcorp
Classification: Likely pathogenic for Pyridoxine-dependent epilepsy. Last evaluated: 2019-12-14. Review status: criteria provided, single submitter. Criteria: Invitae Variant Classification Sherloc (09022015). Collection method: clinical testing. Allele origin: germline.
Comment: In summary, the currently available evidence indicates that the variant is pathogenic, but additional data are needed to prove that conclusively. Therefore, this variant has been classified as Likely Pathogenic. A different missense substitution at this codon (p.Arg329Lys) has been determined to be pathogenic (Invitae). This suggests that the arginine residue is critical for ALDH7A1 protein function and that other missense substitutions at this position may also be pathogenic. Advanced modeling of protein sequence and biophysical properties (such as structural, functional, and spatial information, amino acid conservation, physicochemical variation, residue mobility, and thermodynamic stability) performed at Invitae indicates that this missense variant is expected to disrupt ALDH7A1 protein function. This variant has not been reported in the literature in individuals with ALDH7A1-related conditions. This variant is not present in population databases (ExAC no frequency). This sequence change replaces arginine with serine at codon 329 of the ALDH7A1 protein (p.Arg329Ser). The arginine residue is highly conserved and there is a moderate physicochemical difference between arginine and serine.